The following is an entry in ClinVar:

NM_201384.3(PLEC):c.5323GAG[2] (p.Glu1777del)

Gene: PLEC (plectin; minus strand). Cytogenetic location: 8q24.3.
Variant type: Microsatellite.
Coding change: c.5323GAG[2] on transcript NM_201384.3 (MANE Select); two copies in a row of the 3-base unit GAG starting at c.5323; the reference has three copies in a row; one copy, 3 bases deleted.
Protein change: p.Glu1777del; deletes glutamic acid 1777.
Molecular consequence: inframe deletion.
Genome position (GRCh38, 1-based): chr8:143,924,598-143,924,600, CTC deleted on the plus strand (GAG on the coding strand, the reverse complement: PLEC is on the minus strand); deleting any 3 consecutive bases within chr8:143,924,598-143,924,606 gives the same sequence; the position shown is the placement nearest the transcript's 3' end. VCF-style (leftmost placement, unchanged base first): chr8-143924597-ACTC-A. GRCh37 (hg19) VCF-style: chr8-144998765-ACTC-A.
Other names: c.5404GAG[2], p.Glu1804del (NM_000445.5); c.5281GAG[2], p.Glu1763del (NM_201378.4); c.5257GAG[2], p.Glu1755del (NM_201379.3); c.5734GAG[2], p.Glu1914del (NM_201380.4); c.5227GAG[2], p.Glu1745del (NM_201381.3); c.5323GAG[2], p.Glu1777del (NM_201382.4); c.5335GAG[2], p.Glu1781del (NM_201383.3); short protein forms E1755del, E1777del, E1781del, E1745del, E1763del, E1804del, E1914del.
Identifiers: ClinVar variation 1503009 (VCV001503009.8), dbSNP rs2131409937, ClinGen allele CA2580617244.
Genomic context (GRCh38, chr8:143,924,597, plus strand): 5'-CGCGGAACCGGCCGGCCTCGGCCTCCAGCCTCTGCTTGGACTTCTCGCTGGTGGAGCGCG[ACTC>A]CTCCTCAGCCCTCGCCTTGCTGGCCAGCAGCACCTCCATCTCGGCCCGCACCTTGGCCAG-3'

ClinVar aggregate classification (germline): Uncertain significance (1 of 4 stars; one submission).

Conditions:
Epidermolysis bullosa simplex 5B, with muscular dystrophy (EBS5B). Also called: Epidermolysis bullosa simplex with muscular dystrophy; EPIDERMOLYSIS BULLOSA SIMPLEX AND LIMB-GIRDLE MUSCULAR DYSTROPHY. Identifiers: Orphanet 257, MedGen C2931072, MONDO:0009181, OMIM 226670.
Autosomal recessive limb-girdle muscular dystrophy type 2Q (LGMDR17). Also called: MUSCULAR DYSTROPHY, LIMB-GIRDLE, AUTOSOMAL RECESSIVE 17. Identifiers: Orphanet 254361, MedGen C3150989, MONDO:0013390, OMIM 613723.
Epidermolysis bullosa simplex with nail dystrophy (EBS5D). Identifiers: MedGen C4225309, MONDO:0014661, OMIM 616487.
Epidermolysis bullosa simplex 5C, with pyloric atresia (EBS5C). Also called: Epidermolysis bullosa simplex with pyloric atresia; PLEC-Related Epidermolysis Bullosa with Pyloric Atresia; PLEC1-Related Epidermolysis Bullosa with Pyloric Atresia. Identifiers: Orphanet 158684, MedGen C2677349, MONDO:0012807, OMIM 612138.
Epidermolysis bullosa simplex, Ogna type (EBS5A). Also called: EPIDERMOLYSIS BULLOSA SIMPLEX 5A, OGNA TYPE; Pidermolysis bullosa simplex 5A, Ogna type. Identifiers: Orphanet 79401, MedGen C0432317, MONDO:0007555, OMIM 131950.

Submission:

Labcorp Genetics (formerly Invitae), Labcorp
Classification: Uncertain significance for Autosomal recessive limb-girdle muscular dystrophy type 2Q; Epidermolysis bullosa simplex, Ogna type; Epidermolysis bullosa simplex with nail dystrophy; Epidermolysis bullosa simplex 5C, with pyloric atresia; Epidermolysis bullosa simplex 5B, with muscular dystrophy. Last evaluated: 2021-01-16. Review status: criteria provided, single submitter. Criteria: Invitae Variant Classification Sherloc (09022015). Collection method: clinical testing. Allele origin: germline.
Comment: Experimental studies and prediction algorithms are not available or were not evaluated, and the functional significance of this variant is currently unknown. In summary, the available evidence is currently insufficient to determine the role of this variant in disease. Therefore, it has been classified as a Variant of Uncertain Significance. This variant has not been reported in the literature in individuals with PLEC-related conditions. This variant, c.5410_5412del, results in the deletion of 1 amino acid(s) of the PLEC protein (p.Glu1804del), but otherwise preserves the integrity of the reading frame. The frequency data for this variant in the population databases is considered unreliable, as metrics indicate insufficient coverage at this position in the ExAC database.